The following is an entry in ClinVar:

ClinVar aggregate classification (germline): Uncertain significance (1 of 4 stars; one submission).

Allele frequency attached by ClinVar (database versions not stated): gnomAD 0.00007 and 0.00006; gnomAD exomes 0.00007 and 0.00006; ESP Exome Variant Server 0.00008; ExAC 0.00009; TOPMed 0.00004.
gnomAD v4.1: 103 of 1,598,550 alleles (0.0064%); highest among the groups gnomAD compares: Non-Finnish European, 0.0085%; no homozygotes.

Submission:

Labcorp Genetics (formerly Invitae), Labcorp
Classification: Uncertain significance. Last evaluated: 2025-12-15. Review status: criteria provided, single submitter. Criteria: Invitae Variant Classification Sherloc (09022015). Collection method: clinical testing. Allele origin: germline.
Comment: This sequence change replaces aspartic acid, which is acidic and polar, with glutamic acid, which is acidic and polar, at codon 251 of the ARIH1 protein (p.Asp251Glu). This variant is present in population databases (rs147551270, gnomAD 0.01%). This variant has not been reported in the literature in individuals affected with ARIH1-related conditions. ClinVar contains an entry for this variant (Variation ID: 1423457). An algorithm developed to predict the effect of missense changes on protein structure and function (PolyPhen-2) suggests that this variant is likely to be tolerated. In summary, the available evidence is currently insufficient to determine the role of this variant in disease. Therefore, it has been classified as a Variant of Uncertain Significance.

NM_005744.5(ARIH1):c.753T>A (p.Asp251Glu)

Gene: ARIH1 (ariadne RBR E3 ubiquitin protein ligase 1; plus strand). Cytogenetic location: 15q24.1.
Variant type: single nucleotide variant.
Coding change: c.753T>A on transcript NM_005744.5 (MANE Select); coding-DNA position 753, T replaced by A.
Protein change: p.Asp251Glu; replaces aspartic acid 251 with glutamic acid.
Molecular consequence: missense variant.
Genome position (GRCh38, 1-based): chr15:72,561,498, T>A. VCF-style: chr15-72561498-T-A. GRCh37 (hg19) VCF-style: chr15-72853839-T-A.
Other names: short protein forms D251E.
Identifiers: ClinVar variation 1423457 (VCV001423457.6), dbSNP rs147551270, ClinGen allele CA7645578.